The following is an entry in ClinVar:

ClinVar aggregate classification (germline): Uncertain significance (1 of 4 stars; one submission).

Conditions:
Familial cold autoinflammatory syndrome 2 (FCAS2). Identifiers: Orphanet 247868, MedGen C2673198, MONDO:0012724, OMIM 611762.

Allele frequency attached by ClinVar (database versions not stated): gnomAD exomes 0.00001; TOPMed 0.00001.
gnomAD v4.1: 13 of 1,614,078 alleles (0.00081%); highest among the groups gnomAD compares: East Asian, 0.0045%; no homozygotes.

Submission:

Labcorp Genetics (formerly Invitae), Labcorp
Classification: Uncertain significance for Familial cold autoinflammatory syndrome 2. Last evaluated: 2023-07-16. Review status: criteria provided, single submitter. Criteria: Invitae Variant Classification Sherloc (09022015). Collection method: clinical testing. Allele origin: germline.
Comment: In summary, the available evidence is currently insufficient to determine the role of this variant in disease. Therefore, it has been classified as a Variant of Uncertain Significance. Algorithms developed to predict the effect of missense changes on protein structure and function output the following: SIFT: "Not Available"; PolyPhen-2: "Benign"; Align-GVGD: "Not Available". The serine amino acid residue is found in multiple mammalian species, which suggests that this missense change does not adversely affect protein function. ClinVar contains an entry for this variant (Variation ID: 1486901). This variant has not been reported in the literature in individuals affected with NLRP12-related conditions. This variant is present in population databases (no rsID available, gnomAD 0.006%). This sequence change replaces asparagine, which is neutral and polar, with serine, which is neutral and polar, at codon 389 of the NLRP12 protein (p.Asn389Ser).

NM_144687.4(NLRP12):c.1166A>G (p.Asn389Ser)

Gene: NLRP12 (NLR family pyrin domain containing 12; minus strand). Cytogenetic location: 19q13.42.
Variant type: single nucleotide variant.
Coding change: c.1166A>G on transcript NM_144687.4 (MANE Select); coding-DNA position 1166, A replaced by G.
Protein change: p.Asn389Ser; replaces asparagine 389 with serine.
Molecular consequence: missense variant.
Genome position (GRCh38, 1-based): chr19:53,810,493, T>C on the plus strand (A>G on the coding strand, the complement: NLRP12 is on the minus strand). VCF-style: chr19-53810493-T-C. GRCh37 (hg19) VCF-style: chr19-54313747-T-C.
Other names: c.1166A>G, p.Asn389Ser (NM_001277126.2, NM_001277129.1); short protein forms N389S.
Identifiers: ClinVar variation 1486901 (VCV001486901.8), dbSNP rs1169092995, ClinGen allele CA407414648.
Genomic context (GRCh38, chr19:53,810,493, plus strand): 5'-ACCCAGCACACCAGGGGGACGAAGCACATGGTGAAGAGAGGCTCGTTGTCCCTCACGTAA[T>C]TGAAGACTTGGCCCGCCTGCTCTGCATTGTGGAAATACTTGTAGAAGTATTCCTTCCTTT-3'
Protein context (NP_653288.1, residues 379-399): HNAEQAGQVF[Asn389Ser]YVRDNEPLFT